The following is an entry in ClinVar:

ClinVar aggregate classification (germline): Pathogenic (1 of 4 stars; one submission).

Submission:

Labcorp Genetics (formerly Invitae), Labcorp
Classification: Pathogenic. Last evaluated: 2023-08-18. Review status: criteria provided, single submitter. Criteria: Invitae Variant Classification Sherloc (09022015). Collection method: clinical testing. Allele origin: germline.
Comment: This variant is not present in population databases (gnomAD no frequency). This sequence change creates a premature translational stop signal (p.Phe3395Serfs*38) in the FRAS1 gene. It is expected to result in an absent or disrupted protein product. Loss-of-function variants in FRAS1 are known to be pathogenic (PMID: 12766769, 18671281). This variant has not been reported in the literature in individuals affected with FRAS1-related conditions. Algorithms developed to predict the effect of sequence changes on RNA splicing suggest that this variant may disrupt the consensus splice site. For these reasons, this variant has been classified as Pathogenic.

Literature cited by the submitters: PubMed 12766769; PubMed 18671281.

NM_025074.7(FRAS1):c.10182del (p.Phe3395fs)

Gene: FRAS1 (Fraser extracellular matrix complex subunit 1; plus strand). Cytogenetic location: 4q21.21.
Variant type: Deletion.
Coding change: c.10182del on transcript NM_025074.7 (MANE Select); coding-DNA position 10182, one base deleted (G; older notation c.10182delG).
Protein change: p.Phe3395fs; shifts the reading frame from phenylalanine 3395.
Molecular consequence: frameshift variant.
Genome position (GRCh38, 1-based): chr4:78,515,806, G deleted; the last of 3 consecutive G bases (chr4:78,515,804-78,515,806); deleting any one gives the same sequence. VCF-style (leftmost placement, unchanged base first): chr4-78515803-AG-A. GRCh37 (hg19) VCF-style: chr4-79436957-AG-A.
Other names: short protein forms F3395fs.
Identifiers: ClinVar variation 3007334 (VCV003007334.3), dbSNP rs2475822002, ClinGen allele CA2740091303.
Genomic context (GRCh38, chr4:78,515,803, plus strand): 5'-TGCTCCTTGGCATCCACAAACCAAGTTATCGTTCCTTGTTCTTCCCTCCCTGGCAGAGGC[AG>A]GGTTCCTGGATGATGTGGTCTATGATAGCACTGCCCTGGGGCCTGGCTACGATCGCCCCT-3'